The following is an entry in ClinVar:

ClinVar aggregate classification (germline): Pathogenic (1 of 4 stars; one submission).

Conditions:
Retinitis pigmentosa 25 (RP25). Identifiers: Orphanet 791, MedGen C1864446, MONDO:0011272, OMIM 602772.

Submission:

Myriad Genetics, Inc.
Classification: Pathogenic for Retinitis pigmentosa 25. Last evaluated: 2025-05-27. Review status: criteria provided, single submitter. Criteria: Myriad Autosomal Dominant, Autosomal Recessive and X-Linked Classification Criteria (2023). Collection method: clinical testing. Allele origin: unknown.
Comment: NM_001142800.1(EYS):c.5183dupG(S1728Rfs*2) is a frameshift variant classified as pathogenic in the context of retinitis pigmentosa, EYS-related. S1728Rfs*2 has not been observed in cases with relevant disease. Relevant functional assessments of this variant are not available in the literature. S1728Rfs*2 has not been observed in referenced population frequency databases. In summary, NM_001142800.1(EYS):c.5183dupG(S1728Rfs*2) is a frameshift variant in a gene where loss of function is a known mechanism of disease and is predicted to disrupt protein function. Please note: this variant was assessed in the context of healthy population screening.

NM_001142800.2(EYS):c.5183dup (p.Ser1728fs)

Gene: EYS (EGF-like photoreceptor maintenance factor; minus strand). Cytogenetic location: 6q12.
Variant type: Duplication.
Coding change: c.5183dup on transcript NM_001142800.2 (MANE Select); coding-DNA position 5183, one base duplicated (G; older notation c.5183dupG).
Protein change: p.Ser1728fs; shifts the reading frame from serine 1728.
Molecular consequence: frameshift variant.
Genome position (GRCh38, 1-based): chr6:64,590,684, C duplicated on the plus strand (G on the coding strand, the reverse complement: EYS is on the minus strand). VCF-style (leftmost placement, unchanged base first): chr6-64590683-A-AC. GRCh37 (hg19) VCF-style: chr6-65300576-A-AC.
Other names: c.5183dup, p.Ser1728fs (NM_001292009.2); short protein forms S1728fs.
Identifiers: ClinVar variation 4081651 (VCV004081651.1).